The following is an entry in ClinVar:

NM_001242896.3(DEPDC5):c.2801+19G>T

Gene: DEPDC5 (DEP domain containing 5, GATOR1 subcomplex subunit; plus strand). Cytogenetic location: 22q12.3.
Variant type: single nucleotide variant.
Coding change: c.2801+19G>T on transcript NM_001242896.3 (MANE Select); 19 bases into the intron after coding-DNA position 2801, G replaced by T.
Molecular consequence: intron variant.
Genome position (GRCh38, 1-based): chr22:31,843,831, G>T. VCF-style: chr22-31843831-G-T. GRCh37 (hg19) VCF-style: chr22-32239817-G-T.
Other names: c.2801+19G>T (NM_001364318.2, NM_001363852.2, NM_001364320.2); c.2774+19G>T (NM_001136029.4, NM_014662.6, NM_001369903.1); c.2567+19G>T (NM_001363854.2, NM_001242897.2, NM_001364319.2); c.2717+19G>T (NM_001369902.1, NM_001369901.1).
Identifiers: ClinVar variation 2865614 (VCV002865614.3), dbSNP rs2091545936, ClinGen allele CA1025119012.

ClinVar aggregate classification (germline): Uncertain significance (1 of 4 stars; one submission).

Conditions:
Familial focal epilepsy with variable foci (FPEVF). Identifiers: Orphanet 98820, MedGen C1858477, MONDO:0020310.

Allele frequency attached by ClinVar (database versions not stated): gnomAD exomes below 0.00001; gnomAD 0.00001.
gnomAD v4.1: 2 of 1,573,670 alleles (0.00013%); highest among the groups gnomAD compares: African/African-American, 0.0027%; no homozygotes.

Submission:

Labcorp Genetics (formerly Invitae), Labcorp
Classification: Uncertain significance for Familial focal epilepsy with variable foci. Last evaluated: 2023-02-11. Review status: criteria provided, single submitter. Criteria: Invitae Variant Classification Sherloc (09022015). Collection method: clinical testing. Allele origin: germline.
Comment: In summary, the available evidence is currently insufficient to determine the role of this variant in disease. Therefore, it has been classified as a Variant of Uncertain Significance. Algorithms developed to predict the effect of sequence changes on RNA splicing suggest that this variant may disrupt the consensus splice site. This variant has not been reported in the literature in individuals affected with DEPDC5-related conditions. This variant is not present in population databases (gnomAD no frequency). This sequence change falls in intron 29 of the DEPDC5 gene. It does not directly change the encoded amino acid sequence of the DEPDC5 protein.